The following is an entry in ClinVar:

NM_000562.3(C8A):c.1421G>A (p.Gly474Glu)

Gene: C8A (complement C8 alpha chain; plus strand). Cytogenetic location: 1p32.2.
Variant type: single nucleotide variant.
Coding change: c.1421G>A on transcript NM_000562.3 (MANE Select); coding-DNA position 1421, G replaced by A.
Protein change: p.Gly474Glu; replaces glycine 474 with glutamic acid.
Molecular consequence: missense variant.
Genome position (GRCh38, 1-based): chr1:56,912,443, G>A. VCF-style: chr1-56912443-G-A. GRCh37 (hg19) VCF-style: chr1-57378116-G-A.
Other names: short protein forms G474E.
Identifiers: ClinVar variation 1374844 (VCV001374844.7), dbSNP rs1462855701, ClinGen allele CA340515985.

ClinVar aggregate classification (germline): Uncertain significance (1 of 4 stars; one submission).

Allele frequency attached by ClinVar (database versions not stated): TOPMed 0.00001.

Submission:

Labcorp Genetics (formerly Invitae), Labcorp
Classification: Uncertain significance. Last evaluated: 2021-02-21. Review status: criteria provided, single submitter. Criteria: Invitae Variant Classification Sherloc (09022015). Collection method: clinical testing. Allele origin: germline.
Comment: Algorithms developed to predict the effect of missense changes on protein structure and function are either unavailable or do not agree on the potential impact of this missense change (SIFT: "Deleterious"; PolyPhen-2: "Benign"; Align-GVGD: "Class C0"). In summary, the available evidence is currently insufficient to determine the role of this variant in disease. Therefore, it has been classified as a Variant of Uncertain Significance. This variant has not been reported in the literature in individuals with C8A-related conditions. This variant is not present in population databases (ExAC no frequency). This sequence change replaces glycine with glutamic acid at codon 474 of the C8A protein (p.Gly474Glu). The glycine residue is moderately conserved and there is a moderate physicochemical difference between glycine and glutamic acid.